The following is an entry in ClinVar:

ClinVar aggregate classification (germline): Uncertain significance. Review status: criteria provided, single submitter (1 of 4 stars). 2 submissions from 2 submitters: Uncertain significance (1). 1 of the submissions does not count toward it. Last evaluated 2019-09-13.

Conditions:
HEMOGLOBIN ARYA.

Submissions (2):

ARUP Laboratories, Molecular Genetics and Genomics, ARUP Laboratories
Classification: Uncertain significance. Last evaluated: 2019-09-13. Review status: criteria provided, single submitter. Criteria: ARUP Molecular Germline Variant Investigation Process. Collection method: clinical testing. Allele origin: germline.
Comment: The Hb Arya variant (HBA1: c.142G>A; p.Asp48Asn, also known as Asp47Asn when numbered from the mature protein, rs34269448) is reported in the literature in the heterozygous state with no clinical symptoms, and is considered mildly unstable (see link to HbVar and references therein). This variant is reported in ClinVar (Variation ID: 15699), and is absent from general population databases (Exome Variant Server, Genome Aggregation Database), indicating it is not a common polymorphism. The aspartic acid at codon 48 is highly conserved, and computational analyses (SIFT: damaging, PolyPhen-2: benign) predict conflicting effects of this variant on protein structure/function, although these are low confidence predictions. Due to limited information, the clinical significance of the Hb Arya variant is uncertain at this time. References: Link to HbVar for Hb Arya

OMIM
Classification: other for HEMOGLOBIN ARYA. Last evaluated: 2016-07-20. Review status: no assertion criteria provided. Collection method: literature only. Allele origin: germline. Not counted in ClinVar's aggregate classification.

Literature cited by the submitters: PubMed 1138883 (cited by OMIM).

NM_000558.3(HBA1):c.142G>A (p.Asp48Asn)

Genes: HBA1 (hemoglobin subunit alpha 1; plus strand), LOC106804613 (hemoglobin subunit alpha 1 recombination region; plus strand). Cytogenetic location: 16p13.3.
Variant type: single nucleotide variant.
Coding change: c.142G>A on transcript NM_000558.3; coding-DNA position 142, G replaced by A.
Protein change: p.Asp48Asn; replaces aspartic acid 48 with asparagine.
Molecular consequence: missense variant (on NM_000558.5).
Genome position (GRCh38, 1-based): chr16:176,975, G>A. VCF-style: chr16-176975-G-A. GRCh37 (hg19) VCF-style: chr16-226974-G-A.
Other names: D47N; c.142G>A, p.Asp48Asn (NM_000558.5); short protein forms D48N.
Identifiers: ClinVar variation 15699 (VCV000015699.10), dbSNP rs34269448, ClinGen allele CA125674.